The following is an entry in ClinVar:

ClinVar aggregate classification (germline): Uncertain significance. Review status: criteria provided, multiple submitters, no conflicts (2 of 4 stars). 3 submissions from 3 submitters: Uncertain significance (3). Last evaluated 2026-10-06.

Allele frequency attached by ClinVar (database versions not stated): gnomAD exomes 0.00005 and 0.00001; gnomAD 0.00001; TOPMed 0.00003; ExAC 0.00004.
gnomAD v4.1: 10 of 1,614,074 alleles (0.00062%); highest among the groups gnomAD compares: East Asian, 0.02%; no homozygotes.

Submissions (3):

GeneDx
Classification: Uncertain significance. Last evaluated: 2026-10-06. Review status: criteria provided, single submitter. Criteria: GeneDx Variant Classification Process June 2021. Collection method: clinical testing. Allele origin: germline.
Comment: In silico analysis suggests that this missense variant does not alter protein structure/function; Has not been previously published as pathogenic or benign to our knowledge

Labcorp Genetics (formerly Invitae), Labcorp
Classification: Uncertain significance. Last evaluated: 2022-10-17. Review status: criteria provided, single submitter. Criteria: Invitae Variant Classification Sherloc (09022015). Collection method: clinical testing. Allele origin: germline.
Comment: This sequence change replaces alanine, which is neutral and non-polar, with threonine, which is neutral and polar, at codon 1666 of the SZT2 protein (p.Ala1666Thr). This variant is present in population databases (rs774902064, gnomAD 0.06%). This variant has not been reported in the literature in individuals affected with SZT2-related conditions. ClinVar contains an entry for this variant (Variation ID: 411944). Advanced modeling of protein sequence and biophysical properties (such as structural, functional, and spatial information, amino acid conservation, physicochemical variation, residue mobility, and thermodynamic stability) performed at Invitae indicates that this missense variant is not expected to disrupt SZT2 protein function. In summary, the available evidence is currently insufficient to determine the role of this variant in disease. Therefore, it has been classified as a Variant of Uncertain Significance.

Blueprint Genetics
Classification: Uncertain significance. Last evaluated: 2019-10-09. Review status: criteria provided, single submitter. Criteria: ACMG Guidelines, 2015. Collection method: clinical testing. Allele origin: germline.

NM_001365999.1(SZT2):c.5167G>A (p.Ala1723Thr)

Gene: SZT2 (SZT2 subunit of KICSTOR complex; plus strand). Cytogenetic location: 1p34.2.
Variant type: single nucleotide variant.
Coding change: c.5167G>A on transcript NM_001365999.1 (MANE Select); coding-DNA position 5167, G replaced by A.
Protein change: p.Ala1723Thr; replaces alanine 1723 with threonine.
Molecular consequence: missense variant.
Genome position (GRCh38, 1-based): chr1:43,431,794, G>A. VCF-style: chr1-43431794-G-A. GRCh37 (hg19) VCF-style: chr1-43897465-G-A.
Other names: c.4996G>A, p.Ala1666Thr (NM_015284.4); short protein forms A1666T, A1723T.
Identifiers: ClinVar variation 411944 (VCV000411944.12), dbSNP rs774902064, ClinGen allele CA809503.